The following is an entry in ClinVar:

NM_015100.4(POGZ):c.2071C>T (p.Arg691Trp)

Gene: POGZ (pogo transposable element derived with ZNF domain; minus strand). Cytogenetic location: 1q21.3.
Variant type: single nucleotide variant.
Coding change: c.2071C>T on transcript NM_015100.4 (MANE Select); coding-DNA position 2071, C replaced by T.
Protein change: p.Arg691Trp; replaces arginine 691 with tryptophan.
Molecular consequence: missense variant.
Genome position (GRCh38, 1-based): chr1:151,408,572, G>A on the plus strand (C>T on the coding strand, the complement: POGZ is on the minus strand). VCF-style: chr1-151408572-G-A. GRCh37 (hg19) VCF-style: chr1-151381048-G-A.
Other names: c.2044C>T, p.Arg682Trp (NM_001194937.2); c.1885C>T, p.Arg629Trp (NM_001194938.2); c.2092C>T, p.Arg698Trp (NM_001410860.1); c.1786C>T, p.Arg596Trp (NM_145796.4); c.1912C>T, p.Arg638Trp (NM_207171.2); short protein forms R629W, R682W, R698W, R638W, R691W, R596W.
Identifiers: ClinVar variation 1785400 (VCV001785400.2), dbSNP rs781387105, ClinGen allele CA1091263.

ClinVar aggregate classification (germline): Uncertain significance (1 of 4 stars; one submission).

Conditions:
Inborn genetic diseases. Identifiers: MedGen C0950123, MeSH D030342.

Allele frequency attached by ClinVar (database versions not stated): TOPMed below 0.00001; ExAC 0.00001.
gnomAD v4.1: 4 of 1,610,558 alleles (0.00025%); highest among the groups gnomAD compares: Middle Eastern, 0.017%; no homozygotes.

Submission:

Ambry Genetics
Classification: Uncertain significance for Inborn genetic diseases. Last evaluated: 2019-06-11. Review status: criteria provided, single submitter. Criteria: Ambry Variant Classification Scheme 2023. Collection method: clinical testing. Allele origin: germline.
Comment: The p.R691W variant (also known as c.2071C>T), located in coding exon 13 of the POGZ gene, results from a C to T substitution at nucleotide position 2071. The arginine at codon 691 is replaced by tryptophan, an amino acid with dissimilar properties. This amino acid position is highly conserved in available vertebrate species. In addition, this alteration is predicted to be deleterious by in silico analysis. Since supporting evidence is limited at this time, the clinical significance of this alteration remains unclear.